The following is an entry in ClinVar:

NM_001148.6(ANK2):c.5607G>A (p.Ala1869=)

Genes: ANK2 (ankyrin 2; plus strand), LOC126807136 (MED14-independent group 3 enhancer GRCh37_chr4:114274931-114276130; plus strand). Cytogenetic location: 4q26.
Variant type: single nucleotide variant.
Coding change: c.5607G>A on transcript NM_001148.6 (MANE Select); coding-DNA position 5607, G replaced by A.
Protein change: p.Ala1869=; no amino-acid change (alanine 1869 retained).
Molecular consequence: synonymous variant. On other transcripts: intron variant (68).
Genome position (GRCh38, 1-based): chr4:113,354,225, G>A. VCF-style: chr4-113354225-G-A. GRCh37 (hg19) VCF-style: chr4-114275381-G-A.
Other names: c.5373G>A, p.Ala1791= (NM_001386142.1); c.2007G>A, p.Ala669= (NM_001386166.1); c.5748G>A, p.Ala1916= (NM_001386174.1); c.5724G>A, p.Ala1908= (NM_001386175.1); c.4411+3976G>A (NM_001386186.2, NM_001386148.2); c.4213+3976G>A (NM_001354269.3); c.4291+3976G>A (NM_001386187.2); c.4252+3976G>A (NM_001386147.1); and 35 more.
Identifiers: ClinVar variation 219513 (VCV000219513.37), dbSNP rs760246803, ClinGen allele CA350066.

ClinVar aggregate classification (germline): Likely benign. Review status: criteria provided, multiple submitters, no conflicts (2 of 4 stars). 5 submissions from 5 submitters: Likely benign (5). Last evaluated 2025-05-22.

Conditions:
Cardiovascular phenotype. Identifiers: MedGen CN230736.
Long QT syndrome (LQTS). Identifiers: MedGen C0023976, MeSH D008133, MONDO:0002442. Disease mechanism: loss of function. Inheritance: Various modes of inheritance.

Allele frequency attached by ClinVar (database versions not stated): gnomAD 0.00004; TOPMed 0.00006.
gnomAD v4.1: 84 of 1,613,736 alleles (0.0052%); highest among the groups gnomAD compares: East Asian, 0.074%; 1 homozygote.

Submissions (5):

Labcorp Genetics (formerly Invitae), Labcorp
Classification: Likely benign for Long QT syndrome. Last evaluated: 2025-05-22. Review status: criteria provided, single submitter. Criteria: Invitae Variant Classification Sherloc (09022015). Collection method: clinical testing. Allele origin: germline.

Blueprint Genetics
Classification: Likely benign. Last evaluated: 2024-05-08. Review status: criteria provided, single submitter. Criteria: ACMG Guidelines, 2015. Collection method: clinical testing. Allele origin: germline.

CeGaT Center for Human Genetics Tuebingen
Classification: Likely benign. Last evaluated: 2023-04-01. Review status: criteria provided, single submitter. Criteria: CeGaT Center For Human Genetics Tuebingen Variant Classification Criteria Version 2. Collection method: clinical testing. Allele origin: germline. Affected: yes. Observed: 1 variant allele.
Comment: ANK2: BP4, BP7

GeneDx
Classification: Likely benign. Last evaluated: 2017-05-12. Review status: criteria provided, single submitter. Criteria: GeneDx Variant Classification (06012015). Collection method: clinical testing. Allele origin: germline. Affected: yes.
Comment: This variant is considered likely benign or benign based on one or more of the following criteria: it is a conservative change, it occurs at a poorly conserved position in the protein, it is predicted to be benign by multiple in silico algorithms, and/or has population frequency not consistent with disease.

Ambry Genetics
Classification: Likely benign for Cardiovascular phenotype. Last evaluated: 2015-09-04. Review status: criteria provided, single submitter. Criteria: Ambry Variant Classification Scheme 2023. Collection method: clinical testing. Allele origin: germline.